The following is an entry in ClinVar:

ClinVar aggregate classification (germline): Conflicting classifications of pathogenicity. Review status: criteria provided, conflicting classifications (1 of 4 stars). 4 submissions from 4 submitters: Pathogenic (1); Likely pathogenic (1); Uncertain significance (2). Last evaluated 2026-03-11.

Conditions:
Cardiovascular phenotype. Identifiers: MedGen CN230736.
Hereditary hemorrhagic telangiectasia (HHT). Also called: ORW DISEASE; Osler Weber Rendu syndrome; OSLER-RENDU-WEBER DISEASE; Osler hemorrhagic telangiectasia syndrome. Identifiers: Orphanet 774, MedGen C0039445, MONDO:0019180. Disease mechanism: loss of function.

Submissions (4):

Ambry Genetics
Classification: Uncertain significance for Cardiovascular phenotype. Last evaluated: 2026-03-11. Review status: criteria provided, single submitter. Criteria: Ambry Variant Classification Scheme 2023. Collection method: clinical testing. Allele origin: germline.
Comment: The p.V238E variant (also known as c.713T>A), located in coding exon 6 of the ENG gene, results from a T to A substitution at nucleotide position 713. The valine at codon 238 is replaced by glutamic acid, an amino acid with dissimilar properties. This variant was reported in individual(s) with features consistent with hereditary hemorrhagic telangiectasia (Richards-Yutz J et al. Hum. Genet., 2010 Jul;128:61-77). This amino acid position is not well conserved in available vertebrate species. In addition, the in silico prediction for this alteration is inconclusive. Since supporting evidence is limited at this time, the clinical significance of this alteration remains unclear.

Labcorp Genetics (formerly Invitae), Labcorp
Classification: Pathogenic for Hereditary hemorrhagic telangiectasia. Last evaluated: 2025-08-11. Review status: criteria provided, single submitter. Criteria: Invitae Variant Classification Sherloc (09022015). Collection method: clinical testing. Allele origin: germline.
Comment: This sequence change replaces valine, which is neutral and non-polar, with glutamic acid, which is acidic and polar, at codon 238 of the ENG protein (p.Val238Glu). This variant is not present in population databases (gnomAD no frequency). This missense change has been observed in individuals with clinical features of hereditary hemorrhagic telangiectasia (PMID: 20414677; internal data). ClinVar contains an entry for this variant (Variation ID: 407121). Invitae Evidence Modeling of protein sequence and biophysical properties (such as structural, functional, and spatial information, amino acid conservation, physicochemical variation, residue mobility, and thermodynamic stability) has been performed for this missense variant. However, the output from this modeling did not meet the statistical confidence thresholds required to predict the impact of this variant on ENG protein function. For these reasons, this variant has been classified as Pathogenic.

GeneDx
Classification: Uncertain significance. Last evaluated: 2024-08-22. Review status: criteria provided, single submitter. Criteria: GeneDx Variant Classification Process June 2021. Collection method: clinical testing. Allele origin: germline. Affected: yes.
Comment: Not observed at significant frequency in large population cohorts (gnomAD); In silico analysis supports that this missense variant has a deleterious effect on protein structure/function; This variant is associated with the following publications: (PMID: 20414677)

Mayo Clinic Laboratories, Mayo Clinic
Classification: Likely pathogenic. Last evaluated: 2022-10-12. Review status: criteria provided, single submitter. Criteria: ACMG Guidelines, 2015. Collection method: clinical testing. Allele origin: germline. Observed: 1 variant allele.
Comment: PP1_strong, PM2_supporting, PS4_moderate

Literature cited by the submitters: PubMed 20414677 (cited by 3 submitters).

NM_001114753.3(ENG):c.713T>A (p.Val238Glu)

Gene: ENG (endoglin; minus strand). Cytogenetic location: 9q34.11.
Variant type: single nucleotide variant.
Coding change: c.713T>A on transcript NM_001114753.3 (MANE Select); coding-DNA position 713, T replaced by A.
Protein change: p.Val238Glu; replaces valine 238 with glutamic acid.
Molecular consequence: missense variant.
Genome position (GRCh38, 1-based): chr9:127,825,334, A>T on the plus strand (T>A on the coding strand, the complement: ENG is on the minus strand). VCF-style: chr9-127825334-A-T. GRCh37 (hg19) VCF-style: chr9-130587613-A-T.
Other names: p.Val238Glu; c.713T>A (NM_000118.2); c.713T>A, p.Val238Glu (NM_000118.4, NM_001406715.1); c.167T>A, p.Val56Glu (NM_001278138.2); short protein forms V238E, V56E.
Identifiers: ClinVar variation 407121 (VCV000407121.24), dbSNP rs1060501415, ClinGen allele CA16612408.